The following is an entry in ClinVar:

ClinVar aggregate classification (germline): Pathogenic. Review status: criteria provided, multiple submitters, no conflicts (2 of 4 stars). 5 submissions from 5 submitters: Pathogenic (5). Last evaluated 2025-09-10.

Conditions:
XIAP-related disorder. Also called: XIAP-related condition.
X-linked lymphoproliferative disease due to XIAP deficiency. Also called: XIAP DEFICIENCY; XIAP-Related Lymphoproliferative Disease, X-Linked. Identifiers: Orphanet 2442, Orphanet 538934, MedGen C1845076, MONDO:0010385, OMIM 300635.

Submissions (5):

Labcorp Genetics (formerly Invitae), Labcorp
Classification: Pathogenic for X-linked lymphoproliferative disease due to XIAP deficiency. Last evaluated: 2025-09-10. Review status: criteria provided, single submitter. Criteria: Invitae Variant Classification Sherloc (09022015). Collection method: clinical testing. Allele origin: germline.
Comment: This sequence change creates a premature translational stop signal (p.Lys299Leufs*9) in the XIAP gene. It is expected to result in an absent or disrupted protein product. Loss-of-function variants in XIAP are known to be pathogenic (PMID: 17080092, 21119115, 25666262). This variant is not present in population databases (gnomAD no frequency). This premature translational stop signal has been observed in individual(s) with XIAP deficiency (PMID: 23131490, 24166087). ClinVar contains an entry for this variant (Variation ID: 1162913). For these reasons, this variant has been classified as Pathogenic.

Aleixo Muise Laboratory, Hospital For Sick Children
Classification: Pathogenic for X-linked lymphoproliferative disease due to XIAP deficiency. Last evaluated: 2024-07-05. Review status: criteria provided, single submitter. Criteria: ACMG Guidelines, 2015. Collection method: research. Allele origin: germline. Affected: yes. Observed: 2 variant alleles.
Comment: PVS1;PS1;PM2;PM3;PP3;PP4

Blueprint Genetics
Classification: Pathogenic for XIAP-related disorders. Last evaluated: 2023-09-05. Review status: criteria provided, single submitter. Criteria: ACMG Guidelines, 2015. Collection method: clinical testing. Allele origin: germline. Affected: yes. Observed: 1 variant allele.

GeneDx
Classification: Pathogenic. Last evaluated: 2023-04-06. Review status: criteria provided, single submitter. Criteria: GeneDx Variant Classification Process June 2021. Collection method: clinical testing. Allele origin: germline. Affected: yes.
Comment: Frameshift variant predicted to result in protein truncation or nonsense mediated decay in a gene for which loss of function is a known mechanism of disease; Not observed at significant frequency in large population cohorts (gnomAD); This variant is associated with the following publications: (PMID: 32305064, 28639166, 23131490, 32084423, 24166087, 34586554, 23973892, 32542393, 30671214, 31681265, 24616127)

Mayo Clinic Laboratories, Mayo Clinic
Classification: Pathogenic. Last evaluated: 2019-12-18. Review status: criteria provided, single submitter. Criteria: ACMG Guidelines, 2015. Collection method: clinical testing. Allele origin: germline. Observed: 1 variant allele.
Comment: PVS1, PS3, PS4, PM2, PP1, PP4

Literature cited by the submitters: PubMed 17080092 (cited by Labcorp Genetics (formerly Invitae), Labcorp); PubMed 21119115 (cited by Labcorp Genetics (formerly Invitae), Labcorp); PubMed 25666262 (cited by Labcorp Genetics (formerly Invitae), Labcorp); PubMed 23131490 (cited by Labcorp Genetics (formerly Invitae), Labcorp and Mayo Clinic Laboratories, Mayo Clinic); PubMed 24166087 (cited by Labcorp Genetics (formerly Invitae), Labcorp and Mayo Clinic Laboratories, Mayo Clinic); PubMed 23973892 (cited by Mayo Clinic Laboratories, Mayo Clinic); PubMed 24616127 (cited by Mayo Clinic Laboratories, Mayo Clinic); PubMed 31681265 (cited by Mayo Clinic Laboratories, Mayo Clinic); PubMed 30671214 (cited by Mayo Clinic Laboratories, Mayo Clinic).

NM_001167.4(XIAP):c.894_898del (p.Lys299fs)

Gene: XIAP (X-linked inhibitor of apoptosis; plus strand). Cytogenetic location: Xq25.
Variant type: Microsatellite.
Coding change: c.894_898del on transcript NM_001167.4 (MANE Select); coding-DNA positions 894 to 898, 5 bases deleted (AAAGT; older notation c.894_898delAAAGT).
Protein change: p.Lys299fs; shifts the reading frame from lysine 299.
Molecular consequence: frameshift variant. On other transcripts: non-coding transcript variant (2).
Genome position (GRCh38, 1-based): chrX:123,888,635-123,888,639, AAAGT deleted; deleting any 5 consecutive bases within chrX:123,888,629-123,888,639 gives the same sequence; the c. name uses the placement nearest the transcript's 3' end. VCF-style (leftmost placement, unchanged base first): chrX-123888628-ATAAAG-A. GRCh37 (hg19) VCF-style: chrX-123022478-ATAAAG-A.
Other names: c.894_898del (NM_001167.3); c.894_898del5 (NM_001167.3); c.894_898del, p.Lys299fs (NM_001204401.2, NM_001378590.1, NM_001378591.1 and 1 more transcripts); short protein forms K299fs.
Identifiers: ClinVar variation 1162913 (VCV001162913.15), dbSNP rs2148092759, ClinGen allele CA2580612475.